The following is an entry in ClinVar:

NM_001854.4(COL11A1):c.4445C>T (p.Pro1482Leu)

Gene: COL11A1 (collagen type XI alpha 1 chain; minus strand). Cytogenetic location: 1p21.1.
Variant type: single nucleotide variant.
Coding change: c.4445C>T on transcript NM_001854.4 (MANE Select); coding-DNA position 4445, C replaced by T.
Protein change: p.Pro1482Leu; replaces proline 1482 with leucine.
Molecular consequence: missense variant. On other transcripts: non-coding transcript variant (1).
Genome position (GRCh38, 1-based): chr1:102,889,474, G>A on the plus strand (C>T on the coding strand, the complement: COL11A1 is on the minus strand). VCF-style: chr1-102889474-G-A. GRCh37 (hg19) VCF-style: chr1-103355030-G-A.
Other names: c.4445C>T (NM_001854.3); c.4097C>T, p.Pro1366Leu (NM_001168249.1, NM_080630.4); c.4328C>T, p.Pro1443Leu (NM_001190709.2); c.4481C>T, p.Pro1494Leu (NM_080629.3); short protein forms P1482L, P1443L, P1366L, P1494L.
Identifiers: ClinVar variation 3012561 (VCV003012561.4), dbSNP rs1246567657, ClinGen allele CA341212617.

ClinVar aggregate classification (germline): Conflicting classifications of pathogenicity. Review status: criteria provided, conflicting classifications (1 of 4 stars). 2 submissions from 2 submitters: Uncertain significance (1); Benign (1). Last evaluated 2024-07-24.

Allele frequency attached by ClinVar (database versions not stated): gnomAD 0.00001; TOPMed 0.00001.
gnomAD v4.1: 1 of 1,612,444 alleles (0.000062%); highest among the groups gnomAD compares: African/African-American, 0.0013%; no homozygotes.

Submissions (2):

GeneDx
Classification: Uncertain significance. Last evaluated: 2024-07-24. Review status: criteria provided, single submitter. Criteria: GeneDx Variant Classification Process June 2021. Collection method: clinical testing. Allele origin: germline. Affected: yes.
Comment: Has not been previously published as pathogenic or benign to our knowledge; Not observed at significant frequency in large population cohorts (gnomAD); In silico analysis supports that this missense variant has a deleterious effect on protein structure/function

Labcorp Genetics (formerly Invitae), Labcorp
Classification: Benign. Last evaluated: 2023-10-18. Review status: criteria provided, single submitter. Criteria: Invitae Variant Classification Sherloc (09022015). Collection method: clinical testing. Allele origin: germline.